The following is an entry in ClinVar:

ClinVar aggregate classification (germline): Uncertain significance (1 of 4 stars; one submission).

Allele frequency attached by ClinVar (database versions not stated): gnomAD exomes below 0.00001; gnomAD 0.00001; TOPMed 0.00002.
gnomAD v4.1: 3 of 1,605,024 alleles (0.00019%); highest among the groups gnomAD compares: African/African-American, 0.004%; no homozygotes.

Submission:

Labcorp Genetics (formerly Invitae), Labcorp
Classification: Uncertain significance. Last evaluated: 2025-08-12. Review status: criteria provided, single submitter. Criteria: Invitae Variant Classification Sherloc (09022015). Collection method: clinical testing. Allele origin: germline.
Comment: This sequence change replaces proline, which is neutral and non-polar, with arginine, which is basic and polar, at codon 168 of the DUOX2 protein (p.Pro168Arg). This variant is not present in population databases (gnomAD no frequency). This variant has not been reported in the literature in individuals affected with DUOX2-related conditions. ClinVar contains an entry for this variant (Variation ID: 1919231). Invitae Evidence Modeling of protein sequence and biophysical properties (such as structural, functional, and spatial information, amino acid conservation, physicochemical variation, residue mobility, and thermodynamic stability) indicates that this missense variant is expected to disrupt DUOX2 protein function with a positive predictive value of 80%. In summary, the available evidence is currently insufficient to determine the role of this variant in disease. Therefore, it has been classified as a Variant of Uncertain Significance.

NM_001363711.2(DUOX2):c.503C>G (p.Pro168Arg)

Gene: DUOX2 (dual oxidase 2; minus strand). Cytogenetic location: 15q21.1.
Variant type: single nucleotide variant.
Coding change: c.503C>G on transcript NM_001363711.2 (MANE Select); coding-DNA position 503, C replaced by G.
Protein change: p.Pro168Arg; replaces proline 168 with arginine.
Molecular consequence: missense variant.
Genome position (GRCh38, 1-based): chr15:45,111,778, G>C on the plus strand (C>G on the coding strand, the complement: DUOX2 is on the minus strand). VCF-style: chr15-45111778-G-C. GRCh37 (hg19) VCF-style: chr15-45403976-G-C.
Other names: c.503C>G, p.Pro168Arg (NM_014080.5); short protein forms P168R.
Identifiers: ClinVar variation 1919231 (VCV001919231.5), dbSNP rs930984039, ClinGen allele CA270133967.